The following is an entry in ClinVar:

ClinVar aggregate classification (germline): Benign/Likely benign. Review status: criteria provided, multiple submitters, no conflicts (2 of 4 stars). 4 submissions from 4 submitters: Benign (2); Likely benign (1). 1 of the submissions does not count toward it. Last evaluated 2025-10-06.

Conditions:
GRM1-related disorder. Also called: GRM1-related condition.

Allele frequency attached by ClinVar (database versions not stated): TOPMed 0.00022; gnomAD 0.00025 and 0.00027; ESP Exome Variant Server 0.00031.
gnomAD v4.1: 358 of 1,610,238 alleles (0.022%); highest among the groups gnomAD compares: Middle Eastern, 0.016%; no homozygotes.

Submissions (4):

Labcorp Genetics (formerly Invitae), Labcorp
Classification: Benign. Last evaluated: 2025-10-06. Review status: criteria provided, single submitter. Criteria: Invitae Variant Classification Sherloc (09022015). Collection method: clinical testing. Allele origin: germline.

Blueprint Genetics
Classification: Likely benign. Last evaluated: 2024-10-15. Review status: criteria provided, single submitter. Criteria: ACMG Guidelines, 2015. Collection method: clinical testing. Allele origin: germline.

Athena Diagnostics
Classification: Benign. Last evaluated: 2021-04-23. Review status: criteria provided, single submitter. Criteria: Athena Diagnostics criteria. Collection method: clinical testing. Allele origin: unknown.

PreventionGenetics, part of Exact Sciences
Classification: Likely benign for GRM1-related condition. Last evaluated: 2019-06-14. Review status: no assertion criteria provided. Collection method: clinical testing. Allele origin: germline. Not counted in ClinVar's aggregate classification.
Comment: This variant is classified as likely benign based on ACMG/AMP sequence variant interpretation guidelines (Richards et al. 2015 PMID: 25741868, with internal and published modifications).

Literature cited by the submitters: PubMed 22558107 (cited by Athena Diagnostics).

NM_001278064.2(GRM1):c.1602+9C>G

Genes: GRM1 (glutamate metabotropic receptor 1; plus strand), LOC126859821 (MED14-independent group 3 enhancer GRCh37_chr6:146678820-146680019; plus strand). Cytogenetic location: 6q24.3.
Variant type: single nucleotide variant.
Coding change: c.1602+9C>G on transcript NM_001278064.2 (MANE Select); 9 bases into the intron after coding-DNA position 1602, C replaced by G.
Molecular consequence: intron variant.
Genome position (GRCh38, 1-based): chr6:146,357,703, C>G. VCF-style: chr6-146357703-C-G. GRCh37 (hg19) VCF-style: chr6-146678839-C-G.
Other names: c.1602+9C>G (NM_001278065.2, NM_001278066.1, NM_001278067.1).
Identifiers: ClinVar variation 447458 (VCV000447458.10), dbSNP rs376313056, ClinGen allele CA4037319.